The following is an entry in ClinVar:

ClinVar aggregate classification (germline): Uncertain significance (1 of 4 stars; one submission).

Conditions:
Short-rib thoracic dysplasia 11 with or without polydactyly (SRTD11). Also called: SHORT-RIB THORACIC DYSPLASIA 11 WITHOUT POLYDACTYLY. Identifiers: Orphanet 474, Orphanet 93271, MedGen C3810200, MONDO:0014287, OMIM 615633.

gnomAD v4.1: 1 of 1,429,170 alleles (0.00007%); highest among the groups gnomAD compares: Middle Eastern, 0.023%; no homozygotes.

Submission:

Labcorp Genetics (formerly Invitae), Labcorp
Classification: Uncertain significance for Short-rib thoracic dysplasia 11 with or without polydactyly. Last evaluated: 2022-02-09. Review status: criteria provided, single submitter. Criteria: Invitae Variant Classification Sherloc (09022015). Collection method: clinical testing. Allele origin: germline.
Comment: This sequence change replaces alanine, which is neutral and non-polar, with glutamic acid, which is acidic and polar, at codon 5 of the WDR34 protein (p.Ala5Glu). In summary, the available evidence is currently insufficient to determine the role of this variant in disease. Therefore, it has been classified as a Variant of Uncertain Significance. Algorithms developed to predict the effect of missense changes on protein structure and function are either unavailable or do not agree on the potential impact of this missense change (SIFT: "Deleterious"; PolyPhen-2: "Benign"; Align-GVGD: "Class C0"). This variant has not been reported in the literature in individuals affected with WDR34-related conditions. This variant is not present in population databases (gnomAD no frequency).

NM_052844.4(DYNC2I2):c.14C>A (p.Ala5Glu)

Gene: DYNC2I2 (dynein 2 intermediate chain 2; minus strand). Cytogenetic location: 9q34.11.
Variant type: single nucleotide variant.
Coding change: c.14C>A on transcript NM_052844.4 (MANE Select); coding-DNA position 14, C replaced by A.
Protein change: p.Ala5Glu; replaces alanine 5 with glutamic acid.
Molecular consequence: missense variant.
Genome position (GRCh38, 1-based): chr9:128,656,713, G>T on the plus strand (C>A on the coding strand, the complement: DYNC2I2 is on the minus strand). VCF-style: chr9-128656713-G-T. GRCh37 (hg19) VCF-style: chr9-131418992-G-T.
Other names: short protein forms A5E.
Identifiers: ClinVar variation 1681275 (VCV001681275.6), dbSNP rs544655044, ClinGen allele CA375051906.